The following is an entry in ClinVar:

ClinVar aggregate classification (germline): Uncertain significance (1 of 4 stars; one submission).

Conditions:
Myopathy, proximal, and ophthalmoplegia (CMYO6). Also called: MYOPATHY WITH CONGENITAL JOINT CONTRACTURES, OPHTHALMOPLEGIA, AND RIMMED VACUOLES; INCLUSION BODY MYOPATHY 3, AUTOSOMAL DOMINANT; CONGENITAL MYOPATHY 6 WITH OPHTHALMOPLEGIA. Identifiers: Orphanet 363677, Orphanet 79091, MedGen C1854106, MONDO:0011577, OMIM 605637.

Submission:

Labcorp Genetics (formerly Invitae), Labcorp
Classification: Uncertain significance for Myopathy, proximal, and ophthalmoplegia. Last evaluated: 2025-11-12. Review status: criteria provided, single submitter. Criteria: Invitae Variant Classification Sherloc (09022015). Collection method: clinical testing. Allele origin: germline.
Comment: This sequence change replaces asparagine, which is neutral and polar, with aspartic acid, which is acidic and polar, at codon 1636 of the MYH2 protein (p.Asn1636Asp). This variant is not present in population databases (gnomAD no frequency). This variant has not been reported in the literature in individuals affected with MYH2-related conditions. Invitae Evidence Modeling of protein sequence and biophysical properties (such as structural, functional, and spatial information, amino acid conservation, physicochemical variation, residue mobility, and thermodynamic stability) indicates that this missense variant is not expected to disrupt MYH2 protein function with a negative predictive value of 80%. In summary, the available evidence is currently insufficient to determine the role of this variant in disease. Therefore, it has been classified as a Variant of Uncertain Significance.

NM_017534.6(MYH2):c.4906A>G (p.Asn1636Asp)

Genes: MYH2 (myosin heavy chain 2; minus strand), MYHAS (myosin heavy chain gene cluster antisense RNA; plus strand), LOC126862500 (BRD4-independent group 4 enhancer GRCh37_chr17:10427829-10429028; plus strand). Cytogenetic location: 17p13.1.
Variant type: single nucleotide variant.
Coding change: c.4906A>G on transcript NM_017534.6 (MANE Select); coding-DNA position 4906, A replaced by G.
Protein change: p.Asn1636Asp; replaces asparagine 1636 with aspartic acid.
Molecular consequence: missense variant.
Genome position (GRCh38, 1-based): chr17:10,524,822, T>C on the plus strand (A>G on the coding strand, the complement: MYH2 is on the minus strand). VCF-style: chr17-10524822-T-C. GRCh37 (hg19) VCF-style: chr17-10428139-T-C.
Other names: c.4906A>G, p.Asn1636Asp (NM_001100112.2); short protein forms N1636D.
Identifiers: ClinVar variation 4811013 (VCV004811013.1).